The following is an entry in ClinVar:

ClinVar aggregate classification (germline): Pathogenic/Likely pathogenic. Review status: criteria provided, multiple submitters, no conflicts (2 of 4 stars). 28 submissions from 26 submitters: Pathogenic (22); Likely pathogenic (2). 4 of the submissions do not count toward it. Last evaluated 2026-06-18.

Conditions:
Lowry-Wood syndrome (LWS). Identifiers: Orphanet 1824, MedGen C0796021, MONDO:0009191, OMIM 226960.
Roifman syndrome (RFMN). Also called: SPONDYLOEPIPHYSEAL DYSPLASIA, RETINAL DYSTROPHY, AND ANTIBODY DEFICIENCY. Identifiers: Orphanet 353298, MedGen C1846059, MONDO:0014722, OMIM 616651.
Osteodysplastic primordial dwarfism, type 1 (MOPD1). Also called: MOPD I; Microcephalic Osteodysplastic Primordial Dwarfism Type I/III (MOPDI) / Taybi-Linder Syndrome; Microcephalic Osteodysplastic Primordial Dwarfism, Type I; MOPD, SICILIAN FAIRY TYPE; BRACHYMELIC PRIMORDIAL DWARFISM; MICROCEPHALIC OSTEODYSPLASTIC PRIMORDIAL DWARFISM, TYPE III. Identifiers: Orphanet 2636, MedGen C1859452, MONDO:0008871, OMIM 210710.
Autosomal recessive RNU4ATAC-related disorders.
RNU4ATAC spectrum disorder. Also called: RNU4atac-opathy. Identifiers: MedGen CN377746, MONDO:0100558.
RNU4ATAC-related disorder. Also called: RNU4ATAC-related condition.
CLASP1-related disorder. Also called: CLASP1-related condition.
Hydrocephalus, nonsyndromic, autosomal recessive 1 (HYC1). Also called: Hydrocephalus, nonsyndromic, autosomal recessive; Congenital hydrocephalus 1. Identifiers: Orphanet 2185, MedGen C3887608, MONDO:0009360, OMIM 236600.
Retinal disorder. Also called: Retinopathies; Retinal Diseases; Retinal disorders; Retinopathy. Identifiers: MedGen C0035309, MONDO:0005283, HP:0000488.

Allele frequency attached by ClinVar (database versions not stated): 1000 Genomes Project 30x 0.00016; ExAC 0.00046; TOPMed 0.00054 and 0.00057; 1000 Genomes Project 0.00020; gnomAD 0.00044 and 0.00038; gnomAD exomes 0.00043.
gnomAD v4.1: 340 of 700,358 alleles (0.049%); highest among the groups gnomAD compares: South Asian, 0.067%; no homozygotes.

Submissions 1 to 9 of 28:

Undiagnosed Diseases Network, NIH
Classification: Pathogenic for Lowry-Wood syndrome. Last evaluated: 2026-06-18. Review status: criteria provided, single submitter. Criteria: ACMG Guidelines, 2015. Collection method: clinical testing. Allele origin: maternal. Inheritance: Autosomal recessive inheritance. Affected: yes. Observed: 1 variant allele, 1 compound heterozygote. Study: Undiagnosed Diseases Network, UDN.

PreventionGenetics, part of Exact Sciences
Classification: Pathogenic for RNU4ATAC-related condition. Last evaluated: 2026-04-09. Review status: criteria provided, single submitter. Criteria: ACMG Guidelines, 2015. Collection method: clinical testing. Allele origin: germline.
Comment: The RNU4ATAC n.51G>A is a noncoding alteration. This variant has been reported in the homozygous and compound heterozygous states in multiple individuals with RNU4ATAC-related disorders, and functional studies support its pathogenicity (He et al. 2011. PubMed ID: 21474760; Abdel-Salam et al. 2013. PubMed ID: 23794361; Merico et al. 2015. PubMed ID: 26522830; Farach et al. 2017. PubMed ID: 29265708; Benoit-Pilven et al. 2020. PubMed ID: 32628740). This variant is reported in 0.063% of alleles in individuals of Latino descent in gnomAD. This variant is interpreted as pathogenic.

Genetics Laboratory, Great Ormond Street Hospital NHS Foundation Trust, North Thames Genomic Laboratory Hub
Classification: Pathogenic for Retinal disorders. Last evaluated: 2026-02-25. Review status: criteria provided, single submitter. Criteria: ACGS Best Practice Guidelines for Variant Classification in Rare Disease 2024 v1.2. Collection method: clinical testing. Allele origin: germline. Affected: yes.
Comment: PM2_moderate, PS3_moderate, PM1_moderate, PP1_strong, PM3_strong

Labcorp Genetics (formerly Invitae), Labcorp
Classification: Pathogenic. Last evaluated: 2026-01-26. Review status: criteria provided, single submitter. Criteria: Invitae Variant Classification Sherloc (09022015). Collection method: clinical testing. Allele origin: germline.
Comment: This variant occurs in the RNU4ATAC gene, which encodes an RNA molecule that does not result in a protein product. This variant is present in population databases (rs188343279, gnomAD 0.07%). This variant has been observed in individual(s) with RNU4ATAC-related conditions (PMID: 21474760, 26522830). It has also been observed to segregate with disease in related individuals. ClinVar contains an entry for this variant (Variation ID: 30178). Functional studies have shown that this variant disrupts ncRNA function (PMID: 21474760). This variant is located within the 5' stem-loop region of the RNU4ATAC RNA, which includes the 15.5K binding site and is important for spliceosome assembly (PMID: 32628740). A significant number of disease-associated RNU4ATAC variants are found in this region (PMID: 32628740, 30368667). For these reasons, this variant has been classified as Pathogenic.

Variantyx, Inc.
Classification: Pathogenic for Autosomal recessive RNU4ATAC-related disorders. Last evaluated: 2025-11-13. Review status: criteria provided, single submitter. Criteria: Variantyx Assertion Criteria 2022. Collection method: clinical testing. Allele origin: germline. Inheritance: Autosomal recessive inheritance. Affected: yes.
Comment: This is a variant in the non-protein-coding RNU4ATACgene (OMIM: 601428). Pathogenic variants in this gene have been associated with autosomal recessive RNU4ATAC-related disorders. It has been reported in the homozygous or compound heterozygous state in many unrelated affected individuals (PMID: 34539730, 32595695, 29370840, 29265708, 27312855, 27040866, 26522830, 23794361) (PM3). Functional studies have shown that this variant alters the function of the RNU4ATAC non-coding RNA molecule (PMID: 32628740, 21474760) (PS3). The maximum allele frequency in non-founder control populations of this variant is 0.0667% (PM2). Based on the current evidence, this variant is classified as pathogenic for autosomal recessive RNU4ATAC-related disorders.

CeGaT Center for Human Genetics Tuebingen
Classification: Pathogenic. Last evaluated: 2025-11-01. Review status: criteria provided, single submitter. Criteria: CeGaT Center For Human Genetics Tuebingen Variant Classification Criteria Version 2. Collection method: clinical testing. Allele origin: germline. Affected: yes. Observed: 7 variant alleles.
Comment: RNU4ATAC: PM3:Very Strong, PM2, PS3:Supporting

Dasa
Classification: Pathogenic. Last evaluated: 2025-10-11. Review status: criteria provided, single submitter. Criteria: DASA Assertion Criteria. Collection method: clinical testing. Allele origin: germline.
Comment: NM_001395891.1(CLASP1):c.196-605C>T is a splice-region variant predicted to affect normal RNA splicing. Segregation evidence has been reported in affected families. This variant has been observed in affected individuals with related phenotype in a genotype context consistent with recessive disease (PMID: 21474760; PMID: 26522830; PMID: 23794361; PMID: 32628740; PMID: 29265708). Functional evidence supports a deleterious effect on the gene or gene product (PMID: 21474760; PMID: 26522830; PMID: 23794361; PMID: 32628740; PMID: 29265708). This variant has been recurrently observed in individuals with related phenotype (PMID: 21474760; PMID: 26522830; PMID: 23794361; PMID: 32628740; PMID: 29265708). The variant is present at low frequency in population datasets. Based on the available data, this variant is classified as pathogenic.

Genomic Medicine Center of Excellence, King Faisal Specialist Hospital and Research Centre
Classification: Pathogenic for Hydrocephalus, nonsyndromic, autosomal recessive 1. Last evaluated: 2025-09-10. Review status: criteria provided, single submitter. Criteria: ACMG Guidelines, 2015. Collection method: clinical testing. Allele origin: germline.

Broad Center for Mendelian Genomics, Broad Institute of MIT and Harvard
Classification: Pathogenic for RNU4ATAC spectrum disorder. Last evaluated: 2025-08-21. Review status: criteria provided, single submitter. Criteria: Ellingford et al. (Genome Med. 2022). Collection method: curation. Allele origin: germline. Inheritance: Autosomal recessive inheritance.
Comment: The n.51G>A variant in RNU4ATAC was identified by our study, in the compound heterozygous or homozygous state, in seventeen individuals with RNU4ATAC spectrum disorder (PMID: 36807220, 21474761, 29265709). This variant has been reported in the literature in multiple individuals with RNU4ATAC spectrum disorder (PMID: 21474760, 26522830, 27040866), segregated with disease in at least 6 affected relatives from three families (PMID: 21474761, 26522830), and has been identified in 0.07% (45/67504) of South Asian chromosomes by the Genome Aggregation Database (gnomAD; dbSNP rs188343279). Although this variant has been seen in the general population in a heterozygous state, its frequency is not high enough to rule out a pathogenic role. This variant has also been reported in ClinVar (VCV000030178.40) and has been interpreted as pathogenic by multiple submitters. Of the many affected individuals, at least two were compound heterozygotes that carried a reported pathogenic variant in trans and at least two were homozygotes, which increases the likelihood that the n.51G>A variant is pathogenic (VCV000030179.13). In vitro functional studies provide some evidence that the n.51G>A variant will impact splicing activity and efficiency (PMID: 21474760, 32628740). However, these types of assays may not accurately represent biological function. The n.51G>A variant is located in the 5' stem loop region of RNU4ATAC where several other variants have been identified, suggesting that this variant is in a functional domain and supports pathogenicity (PMID: 26522830, 32628740). In summary, this variant meets criteria to be classified as pathogenic for autosomal recessive RNU4ATAC spectrum disorder. ACMG/AMP Criteria applied: PP1_strong, PM3_strong, PM1, PS3_supporting (Richards 2015).

NM_001395891.1(CLASP1):c.196-605C>T

Genes: CLASP1 (cytoplasmic linker associated protein 1; minus strand), CLASP1-AS1 (CLASP1 antisense RNA 1; plus strand), RNU4ATAC (RNA, U4atac small nuclear; plus strand). Cytogenetic location: 2q14.2.
Variant type: single nucleotide variant.
Coding change: c.196-605C>T on transcript NM_001395891.1 (MANE Select); 605 bases into the intron before coding-DNA position 196, C replaced by T.
Molecular consequence: intron variant.
Genome position (GRCh38, 1-based): chr2:121,530,930, G>A on the plus strand (C>T on the coding strand, the complement: CLASP1 is on the minus strand). VCF-style: chr2-121530930-G-A. GRCh37 (hg19) VCF-style: chr2-122288506-G-A.
Other names: c.196-605C>T (NM_001142274.2, NM_015282.3, NM_001378003.1 and 4 more transcripts).
Identifiers: ClinVar variation 30178 (VCV000030178.62), dbSNP rs188343279, ClinGen allele CA129000.
Genomic context (GRCh38, chr2:121,530,930, plus strand): 5'-TTTCTATTATAACCATCCTTTTCTTGGGGTTGCGCTACTGTCCAATGAGCGCATAGTGAG[G>A]GCAGTACTGCTAACGCCTGAACAACACACCCGCATCAACTAGAGCTTTTGCTTTATTTTG-3'